The following is an entry in ClinVar:

NM_000452.3(SLC10A2):c.880A>G (p.Ser294Gly)

Gene: SLC10A2 (solute carrier family 10 member 2; minus strand). Cytogenetic location: 13q33.1.
Variant type: single nucleotide variant.
Coding change: c.880A>G on transcript NM_000452.3 (MANE Select); coding-DNA position 880, A replaced by G.
Protein change: p.Ser294Gly; replaces serine 294 with glycine.
Molecular consequence: missense variant.
Genome position (GRCh38, 1-based): chr13:103,049,328, T>C on the plus strand (A>G on the coding strand, the complement: SLC10A2 is on the minus strand). VCF-style: chr13-103049328-T-C. GRCh37 (hg19) VCF-style: chr13-103701678-T-C.
Other names: short protein forms S294G.
Identifiers: ClinVar variation 2140416 (VCV002140416.4), dbSNP rs201039481, ClinGen allele CA7042010.

ClinVar aggregate classification (germline): Uncertain significance (1 of 4 stars; one submission).

Allele frequency attached by ClinVar (database versions not stated): gnomAD 0.00001; ExAC 0.00002; gnomAD exomes 0.00002; TOPMed 0.00002.
gnomAD v4.1: 35 of 1,613,910 alleles (0.0022%); highest among the groups gnomAD compares: Middle Eastern, 0.033%; no homozygotes.

Submission:

Labcorp Genetics (formerly Invitae), Labcorp
Classification: Uncertain significance. Last evaluated: 2025-11-10. Review status: criteria provided, single submitter. Criteria: Invitae Variant Classification Sherloc (09022015). Collection method: clinical testing. Allele origin: germline.
Comment: This sequence change replaces serine, which is neutral and polar, with glycine, which is neutral and non-polar, at codon 294 of the SLC10A2 protein (p.Ser294Gly). This variant is present in population databases (rs201039481, gnomAD 0.004%). This variant has not been reported in the literature in individuals affected with SLC10A2-related conditions. ClinVar contains an entry for this variant (Variation ID: 2140416). Invitae Evidence Modeling of protein sequence and biophysical properties (such as structural, functional, and spatial information, amino acid conservation, physicochemical variation, residue mobility, and thermodynamic stability) indicates that this missense variant is not expected to disrupt SLC10A2 protein function with a negative predictive value of 80%. In summary, the available evidence is currently insufficient to determine the role of this variant in disease. Therefore, it has been classified as a Variant of Uncertain Significance.